The following is an entry in ClinVar:

ClinVar aggregate classification (germline): Uncertain significance (1 of 4 stars; one submission).

Conditions:
Charcot-Marie-Tooth disease type 4. Also called: Charcot-Marie-Tooth disease, type IV; Charcot-Marie-Tooth, Type 4. Identifiers: Orphanet 64749, MedGen C4082197, MONDO:0018995.

Allele frequency attached by ClinVar (database versions not stated): TOPMed 0.00001; gnomAD 0.00002.
gnomAD v4.1: 17 of 1,613,516 alleles (0.0011%); highest among the groups gnomAD compares: African/African-American, 0.0013%; no homozygotes.

Submission:

Labcorp Genetics (formerly Invitae), Labcorp
Classification: Uncertain significance for Charcot-Marie-Tooth disease type 4. Last evaluated: 2020-11-16. Review status: criteria provided, single submitter. Criteria: Invitae Variant Classification Sherloc (09022015). Collection method: clinical testing. Allele origin: germline.
Comment: Algorithms developed to predict the effect of missense changes on protein structure and function are either unavailable or do not agree on the potential impact of this missense change (SIFT: "Deleterious"; PolyPhen-2: "Probably Damaging"; Align-GVGD: "Class C0"). In summary, the available evidence is currently insufficient to determine the role of this variant in disease. Therefore, it has been classified as a Variant of Uncertain Significance. This variant has not been reported in the literature in individuals with SBF2-related conditions. This variant is present in population databases (rs747325449, ExAC 0.007%). This sequence change replaces arginine with tryptophan at codon 817 of the SBF2 protein (p.Arg817Trp). The arginine residue is moderately conserved and there is a moderate physicochemical difference between arginine and tryptophan.

NM_030962.4(SBF2):c.2449C>T (p.Arg817Trp)

Genes: SBF2 (SET binding factor 2; minus strand), LOC101928008 (uncharacterized LOC101928008; plus strand). Cytogenetic location: 11p15.4.
Variant type: single nucleotide variant.
Coding change: c.2449C>T on transcript NM_030962.4 (MANE Select); coding-DNA position 2449, C replaced by T.
Protein change: p.Arg817Trp; replaces arginine 817 with tryptophan.
Molecular consequence: missense variant.
Genome position (GRCh38, 1-based): chr11:9,853,627, G>A on the plus strand (C>T on the coding strand, the complement: SBF2 is on the minus strand). VCF-style: chr11-9853627-G-A. GRCh37 (hg19) VCF-style: chr11-9875174-G-A.
Other names: c.2320C>T, p.Arg774Trp (NM_001386342.1); c.2449C>T, p.Arg817Trp (NM_001386339.1); short protein forms R774W, R817W.
Identifiers: ClinVar variation 1035917 (VCV001035917.9), dbSNP rs747325449, ClinGen allele CA5881560.